The following is an entry in ClinVar:

NM_000981.4(RPL19):c.380T>C (p.Val127Ala)

Gene: RPL19 (ribosomal protein L19; plus strand). Cytogenetic location: 17q12.
Variant type: single nucleotide variant.
Coding change: c.380T>C on transcript NM_000981.4 (MANE Select); coding-DNA position 380, T replaced by C.
Protein change: p.Val127Ala; replaces valine 127 with alanine.
Molecular consequence: missense variant.
Genome position (GRCh38, 1-based): chr17:39,204,100, T>C. VCF-style: chr17-39204100-T-C. GRCh37 (hg19) VCF-style: chr17-37360353-T-C.
Other names: c.374T>C, p.Val125Ala (NM_001330200.1); short protein forms V125A, V127A.
Identifiers: ClinVar variation 1990930 (VCV001990930.4), dbSNP rs1290121982, ClinGen allele CA398836817.

ClinVar aggregate classification (germline): Uncertain significance (1 of 4 stars; one submission).

Submission:

Labcorp Genetics (formerly Invitae), Labcorp
Classification: Uncertain significance. Last evaluated: 2022-10-24. Review status: criteria provided, single submitter. Criteria: Invitae Variant Classification Sherloc (09022015). Collection method: clinical testing. Allele origin: germline.
Comment: This variant is not present in population databases (gnomAD no frequency). This sequence change replaces valine, which is neutral and non-polar, with alanine, which is neutral and non-polar, at codon 127 of the RPL19 protein (p.Val127Ala). This variant has not been reported in the literature in individuals affected with RPL19-related conditions. In summary, the available evidence is currently insufficient to determine the role of this variant in disease. Therefore, it has been classified as a Variant of Uncertain Significance. Algorithms developed to predict the effect of missense changes on protein structure and function (SIFT, PolyPhen-2, Align-GVGD) all suggest that this variant is likely to be tolerated.